The following is an entry in ClinVar:

NM_000492.4(CFTR):c.115C>T (p.Gln39Ter)

Gene: CFTR (CF transmembrane conductance regulator; plus strand). Cytogenetic location: 7q31.2.
Variant type: single nucleotide variant.
Coding change: c.115C>T on transcript NM_000492.4 (MANE Select); coding-DNA position 115, C replaced by T.
Protein change: p.Gln39Ter; replaces glutamine 39 with a stop codon.
Molecular consequence: nonsense.
Genome position (GRCh38, 1-based): chr7:117,504,314, C>T. VCF-style: chr7-117504314-C-T. GRCh37 (hg19) VCF-style: chr7-117144368-C-T.
Other names: short protein forms Q39*.
Identifiers: ClinVar variation 53204 (VCV000053204.34), dbSNP rs397508168, ClinGen allele CA345303.

ClinVar aggregate classification (germline): Pathogenic. Review status: reviewed by expert panel (3 of 4 stars). 10 submissions from 10 submitters: Pathogenic (1). 9 of the submissions do not count toward it. Last evaluated 2017-03-17.

Conditions:
CFTR-related disorder (CFTR-RD). Also called: CFTR-related disorders; CFTR-related condition. Identifiers: MedGen C5924204, MONDO:7770004.
Cystic fibrosis (CF). Also called: MUCOVISCIDOSIS. Identifiers: Orphanet 586, MedGen C0010674, MONDO:0009061, OMIM 219700. Disease mechanism: loss of function.
Bronchiectasis with or without elevated sweat chloride 1 (BESC1). Also called: Cystic Fibrosis-Like Syndrome. Identifiers: Orphanet 60033, MedGen C2749757, MONDO:0008887, OMIM 211400.

Allele frequency attached by ClinVar (database versions not stated): gnomAD exomes below 0.00001.

Submissions (10):

CFTR2
Classification: Pathogenic for Cystic fibrosis. Last evaluated: 2017-03-17. Review status: reviewed by expert panel. Criteria: Sosnay PR et al. (Nat Genet 2013). Collection method: research. Allele origin: germline. Affected: yes. Study: CFTR2.

CeGaT Center for Human Genetics Tuebingen
Classification: Pathogenic. Last evaluated: 2024-10-01. Review status: criteria provided, single submitter. Criteria: CeGaT Center For Human Genetics Tuebingen Variant Classification Criteria Version 2. Collection method: clinical testing. Allele origin: germline. Affected: yes. Observed: 1 variant allele. Not counted in ClinVar's aggregate classification.
Comment: CFTR: PM3:Very Strong, PVS1, PM2, PS3:Supporting

Baylor Genetics
Classification: Pathogenic for Bronchiectasis with or without elevated sweat chloride 1. Last evaluated: 2024-03-24. Review status: criteria provided, single submitter. Criteria: ACMG Guidelines, 2015. Collection method: clinical testing. Allele origin: unknown. Not counted in ClinVar's aggregate classification.

Natera, Inc.
Classification: Pathogenic for CFTR-related disorders. Last evaluated: 2024-02-21. Review status: criteria provided, single submitter. Criteria: Natera Variant Classification Schema (03/2026). Collection method: clinical testing. Allele origin: germline. Not counted in ClinVar's aggregate classification.
Comment: The c.115C>T variant in CFTR is a nonsense variant predicted to introduce a stop codon at amino acid 39. This variant may result in a truncated or dysfunctional protein product. This variant is rare in the general population with a frequency below the threshold expected for the associated phenotype(s). This variant has been observed in one or more individuals affected with the associated recessive disease, as either homozygous or compound heterozygous with a second variant (PMID: 9383031, 21811577, 17137500, 29292091, 29292091, 34936849, 15480987, 35115637). Given the available evidence, this variant is classified as Pathogenic.

Labcorp Genetics (formerly Invitae), Labcorp
Classification: Pathogenic for Cystic fibrosis. Last evaluated: 2023-10-22. Review status: criteria provided, single submitter. Criteria: Invitae Variant Classification Sherloc (09022015). Collection method: clinical testing. Allele origin: germline. Not counted in ClinVar's aggregate classification.
Comment: This sequence change creates a premature translational stop signal (p.Gln39*) in the CFTR gene. It is expected to result in an absent or disrupted protein product. Loss-of-function variants in CFTR are known to be pathogenic (PMID: 1695717, 7691345, 9725922). This variant is not present in population databases (gnomAD no frequency). This premature translational stop signal has been observed in individual(s) with cystic fibrosis (PMID: 1376017). This variant is also known as c.247C>T. ClinVar contains an entry for this variant (Variation ID: 53204). For these reasons, this variant has been classified as Pathogenic.

Institute of Human Genetics, University of Leipzig Medical Center
Classification: Pathogenic for Cystic fibrosis. Last evaluated: 2022-09-05. Review status: criteria provided, single submitter. Criteria: ACMG Guidelines, 2015. Collection method: curation. Allele origin: unknown. Affected: yes. Observed: 1 variant allele. Not counted in ClinVar's aggregate classification.
Comment: The variant was classified in the context of a project re-classifying variants in the German Cystic Fibrosis Registry (Muko.e.V.). Criteria applied: PVS1, PS3_SUP, PM2_SUP, PM3_VSTR, PP4

Ambry Genetics
Classification: Pathogenic for Cystic fibrosis. Last evaluated: 2022-08-17. Review status: criteria provided, single submitter. Criteria: Ambry Variant Classification Scheme 2023. Collection method: clinical testing. Allele origin: germline. Not counted in ClinVar's aggregate classification.
Comment: The p.Q39* pathogenic mutation (also known as c.115C>T), located in coding exon 2 of the CFTR gene, results from a C to T substitution at nucleotide position 115. This changes the amino acid from a glutamine to a stop codon within coding exon 2. This mutation has been seen numerous times in individuals with cystic fibrosis and a second CFTR variant in trans (Cutting GR et al. Am. J. Hum. Genet., 1992 Jun;50:1185-94; Sanz J et al. Eur. J. Hum. Genet., 2010 Feb;18:212-7; Kenkov&aacute; P et al. J. Cyst. Fibros., 2013 Sep;12:532-7). This pathogenic mutation is associated with elevated sweat chloride levels and pancreatic insufficiency (Sosnay PR et al. Nat. Genet., 2013 Oct;45:1160-7). In addition to the clinical data presented in the literature, this alteration is expected to result in loss of function by premature protein truncation or nonsense-mediated mRNA decay. As such, this alteration is interpreted as a disease-causing mutation.

Johns Hopkins Genomics, Johns Hopkins University
Classification: Pathogenic for Cystic fibrosis. Last evaluated: 2020-04-22. Review status: criteria provided, single submitter. Criteria: ACMG Guidelines, 2015. Collection method: clinical testing. Allele origin: germline. Not counted in ClinVar's aggregate classification.
Comment: Disease-causing CFTR variant. See CFTR2 for phenotype information.

Women's Health and Genetics/Laboratory Corporation of America, LabCorp
Classification: Pathogenic. Last evaluated: 2017-10-10. Review status: criteria provided, single submitter. Criteria: LabCorp Variant Classification Summary - May 2015. Collection method: clinical testing. Allele origin: germline. Not counted in ClinVar's aggregate classification.
Comment: Variant summary: The CFTR c.115C>T (p.Gln39X) variant results in a premature termination codon, predicted to cause a truncated or absent CFTR protein due to nonsense mediated decay, which are commonly known mechanisms for disease.This variant is absent in 245672 control chromosomes (gnomAD). The variant of interest has been reported in multiple affected individuals (Sosna_2013). In addition, multiple clinical diagnostic laboratories/reputable databases classified this variant as pathogenic. Taken together, this variant is classified as pathogenic.

Counsyl
Classification: Pathogenic for Cystic fibrosis. Last evaluated: 2014-06-13. Review status: no assertion criteria provided. Collection method: literature only. Allele origin: unknown. Inheritance: Autosomal recessive inheritance. Not counted in ClinVar's aggregate classification.

Literature cited by the submitters: PubMed 9383031 (cited by Natera, Inc.); PubMed 21811577 (cited by Natera, Inc.); PubMed 17137500 (cited by Natera, Inc.); PubMed 29292091 (cited by Natera, Inc.); PubMed 34936849 (cited by Natera, Inc.); PubMed 15480987 (cited by Natera, Inc. and Counsyl); PubMed 35115637 (cited by Natera, Inc.); PubMed 1695717 (cited by Labcorp Genetics (formerly Invitae), Labcorp); PubMed 7691345 (cited by Labcorp Genetics (formerly Invitae), Labcorp); PubMed 9725922 (cited by Labcorp Genetics (formerly Invitae), Labcorp); PubMed 1376017 (cited by 3 submitters); PubMed 19724303 (cited by Ambry Genetics); PubMed 23276700 (cited by Ambry Genetics); PubMed 23974870 (cited by 3 submitters); PubMed 7541274 (cited by Counsyl); PubMed 1284534 (cited by Counsyl).